The following is an entry in ClinVar:

NM_000051.4(ATM):c.160_162delinsAAG (p.Tyr54Lys)

Gene: ATM (ATM serine/threonine kinase; plus strand). Cytogenetic location: 11q22.3.
Variant type: Indel.
Coding change: c.160_162delinsAAG on transcript NM_000051.4 (MANE Select); coding-DNA positions 160 to 162, TAT replaced by AAG.
Protein change: p.Tyr54Lys; replaces tyrosine 54 with lysine.
Molecular consequence: missense variant.
Genome position (GRCh38, 1-based): chr11:108,227,863-108,227,865, TAT replaced by AAG. VCF-style: chr11-108227863-TAT-AAG. GRCh37 (hg19) VCF-style: chr11-108098590-TAT-AAG.
Other names: c.160_162delinsAAG, p.Tyr54Lys (NM_001351834.2, NM_001351835.2, NM_001351836.2); short protein forms Y54K.
Identifiers: ClinVar variation 3452618 (VCV003452618.1).
Genomic context (GRCh38, chr11:108,227,863, plus strand): 5'-ATTCGAGATCCTGAAACAATTAAACATCTAGATCGGCATTCAGATTCCAAACAAGGAAAA[TAT>AAG]TTGAATTGGGATGCTGTTTTTAGGTATTCTATTCAAATTTATTTTACTGTCTTTATTTTT-3'
Protein context (NP_000042.3, residues 44-64): DRHSDSKQGK[Tyr54Lys]LNWDAVFRFL

ClinVar aggregate classification (germline): Uncertain significance (1 of 4 stars; one submission).

Conditions:
Hereditary cancer-predisposing syndrome. Also called: Tumor predisposition; Neoplastic Syndromes, Hereditary; Hereditary neoplastic syndrome; Hereditary Cancer Syndrome. Identifiers: Orphanet 140162, MedGen C0027672, MeSH D009386, MONDO:0015356.

Submission:

Ambry Genetics
Classification: Uncertain significance for Hereditary cancer-predisposing syndrome. Last evaluated: 2024-11-14. Review status: criteria provided, single submitter. Criteria: Ambry Variant Classification Scheme 2023. Collection method: clinical testing. Allele origin: germline.
Comment: The c.160_162delTATinsAAG variant (also known as p.Y54K), located in coding exon 2 of the ATM gene, results from an in-frame deletion of TAT and insertion of AAG at nucleotide positions 160 to 162. This results in the substitution of the tyrosine residue for a lysine residue at codon 54, an amino acid with similar properties. This amino acid position is not well conserved in available vertebrate species. In addition, this alteration is predicted to be neutral by in silico analysis (Choi Y et al. PLoS ONE. 2012; 7(10):e46688). Based on the available evidence, the clinical significance of this variant remains unclear.